The following is an entry in ClinVar:

ClinVar aggregate classification (germline): Uncertain significance (1 of 4 stars; one submission).

Submission:

Women's Health and Genetics/Laboratory Corporation of America, LabCorp
Classification: Uncertain significance. Last evaluated: 2022-08-08. Review status: criteria provided, single submitter. Criteria: LabCorp Variant Classification Summary - May 2015. Collection method: clinical testing. Allele origin: germline.
Comment: Variant summary: The variant identified by MLPA or other technology involves the deletion of exon 2, which contains the translation initiation codon for the KANK1 gene. A presumed nomenclature of c.(-84+1_-83-1)_(37+1_38-1)del has been designated for the purposes of this classification. Although exact breakpoints of this deletion are not known, it is expected to result in an absent or shortened protein product, a known mechanism of disease. A large deletion variant, covering exon 2 of the gene was found at a frequency of 0.0013 in 21694 control chromosomes, predominantly at a frequency of 0.0028 (i.e. 27/9534 alleles) within the African or African-American subpopulation in the gnomAD database (no homozygotes were reported). The number of occurrences suggest that the variant might be benign in monoallelic form. To our knowledge, no occurrence of c.(-84+1_-83-1)_(37+1_38-1)del in individuals affected with Cerebral Palsy, Spastic Quadriplegic, 2 and no experimental evidence demonstrating its impact on protein function have been reported. Although an early report described deletion of the KANK1 gene in a four-generation family in which several individuals displayed congenital hypotonia that progressed to cerebral palsy, where affected individuals inherited the deletion from their healthy fathers, and this (with methylation analyses), led the authors to propose a parent-of-origin effect (PMID 16301218). However, later case reports did not support the parent-of-origin model (PMIDs: 2345427, 29729439), and a recent review concluded that haploinsufficiency of KANK1 was not likely to cause disease, although larger copy number variants at this locus might be disease causing, through involvement of other genes or due to different mechanisms of pathogenesis (PMID: 30684669). No clinical diagnostic laboratories have submitted clinical-significance assessments for this variant to ClinVar after 2014 with providing evidence for independent evaluation. Based on the evidence outlined above, this deletion variant in monoallelic form was classified as VUS-possibly benign.

NC_000009.11:g.(504755_676889)_(677010_710803)del

Gene: KANK1 (KN motif and ankyrin repeat domains 1; plus strand). Cytogenetic location: 9p24.3.
Variant type: Deletion.
Identifiers: ClinVar variation 1705055 (VCV001705055.1).